The following is an entry in ClinVar:

NM_016023.5(OTUD6B):c.381_388del (p.Leu127fs)

Gene: OTUD6B (OTU deubiquitinase 6B; plus strand). Cytogenetic location: 8q21.3.
Variant type: Deletion.
Coding change: c.381_388del on transcript NM_016023.5 (MANE Select); coding-DNA positions 381 to 388, 8 bases deleted (AACAGGAG; older notation c.381_388delAACAGGAG).
Protein change: p.Leu127fs; shifts the reading frame from leucine 127.
Molecular consequence: frameshift variant.
Genome position (GRCh38, 1-based): chr8:91,078,421-91,078,428, AACAGGAG deleted. VCF-style (leftmost placement, unchanged base first): chr8-91078420-TAACAGGAG-T. GRCh37 (hg19) VCF-style: chr8-92090648-TAACAGGAG-T.
Other names: p.(Leu127Phefs*7); c.78_85del, p.Leu26fs (NM_001286745.3); c.300_307del, p.Leu100fs (NM_001416022.1); short protein forms L100fs, L127fs, L26fs.
Identifiers: ClinVar variation 2627380 (VCV002627380.2), dbSNP rs2488421245, ClinGen allele CA2582341968.

ClinVar aggregate classification (germline): Pathogenic (1 of 4 stars; one submission).

Conditions:
Intellectual developmental disorder with dysmorphic facies, seizures, and distal limb anomalies (IDDFSDA). Identifiers: Orphanet 505237, MedGen C4479520, MONDO:0044319, OMIM 617452.

Submission:

Center of Genomic medicine, Geneva, University Hospital of Geneva
Classification: Pathogenic for Intellectual developmental disorder with dysmorphic facies, seizures, and distal limb anomalies. Last evaluated: 2023-08-01. Review status: criteria provided, single submitter. Criteria: ACMG Guidelines, 2015. Collection method: clinical testing. Allele origin: paternal. Affected: yes. Observed: 2 variant alleles.
Comment: This variant is present in compound heterozygosity with another variant in the same gene. These two variants were identified in two brothers with similar phenotype (global development delay, autistic features and epilepsy/seizures)